The following is an entry in ClinVar:

ClinVar aggregate classification (germline): Pathogenic (1 of 4 stars; one submission).

Conditions:
Cryopyrin associated periodic syndrome (CAPS). Identifiers: Orphanet 208650, MedGen C2316212, MONDO:0016168.

Submission:

Labcorp Genetics (formerly Invitae), Labcorp
Classification: Pathogenic for Cryopyrin associated periodic syndrome. Last evaluated: 2023-11-24. Review status: criteria provided, single submitter. Criteria: Invitae Variant Classification Sherloc (09022015). Collection method: clinical testing. Allele origin: germline.
Comment: This sequence change replaces lysine, which is basic and polar, with asparagine, which is neutral and polar, at codon 437 of the NLRP3 protein (p.Lys437Asn). This variant is not present in population databases (gnomAD no frequency). This missense change has been observed in individual(s) with Muckle-Wells syndrome (PMID: 30273710). In at least one individual the variant was observed to be de novo. ClinVar contains an entry for this variant (Variation ID: 2109144). Advanced modeling of protein sequence and biophysical properties (such as structural, functional, and spatial information, amino acid conservation, physicochemical variation, residue mobility, and thermodynamic stability) performed at Invitae indicates that this missense variant is expected to disrupt NLRP3 protein function with a positive predictive value of 95%. For these reasons, this variant has been classified as Pathogenic.

Literature cited by the submitters: PubMed 30273710.

NM_001243133.2(NLRP3):c.1305G>C (p.Lys435Asn)

Gene: NLRP3 (NLR family pyrin domain containing 3; plus strand). Cytogenetic location: 1q44.
Variant type: single nucleotide variant.
Coding change: c.1305G>C on transcript NM_001243133.2 (MANE Select); coding-DNA position 1305, G replaced by C.
Protein change: p.Lys435Asn; replaces lysine 435 with asparagine.
Molecular consequence: missense variant.
Genome position (GRCh38, 1-based): chr1:247,424,754, G>C. VCF-style: chr1-247424754-G-C. GRCh37 (hg19) VCF-style: chr1-247588056-G-C.
Other names: c.1305G>C, p.Lys435Asn (NM_001079821.3, NM_001127461.3, NM_001127462.3 and 1 more transcripts); c.1311G>C, p.Lys437Asn (NM_004895.5); short protein forms K437N, K435N.
Identifiers: ClinVar variation 2109144 (VCV002109144.4), dbSNP rs1553286808, ClinGen allele CA345556610.